The following is an entry in ClinVar:

ClinVar aggregate classification (germline): Pathogenic (1 of 4 stars; one submission).

Submission:

Labcorp Genetics (formerly Invitae), Labcorp
Classification: Pathogenic. Last evaluated: 2024-09-26. Review status: criteria provided, single submitter. Criteria: Invitae Variant Classification Sherloc (09022015). Collection method: clinical testing. Allele origin: germline.
Comment: This sequence change creates a premature translational stop signal (p.Trp451Glyfs*21) in the C1S gene. While this is not anticipated to result in nonsense mediated decay, it is expected to disrupt the last 238 amino acid(s) of the C1S protein. This variant is not present in population databases (gnomAD no frequency). This variant has not been reported in the literature in individuals affected with C1S-related conditions. ClinVar contains an entry for this variant (Variation ID: 2008415). This variant disrupts a region of the C1S protein in which other variant(s) (p.Glu597*) have been determined to be pathogenic (PMID: 9973493, 19155518). This suggests that this is a clinically significant region of the protein, and that variants that disrupt it are likely to be disease-causing. For these reasons, this variant has been classified as Pathogenic.

Literature cited by the submitters: PubMed 9973493; PubMed 19155518.

NM_001734.5(C1S):c.1350del (p.Trp451fs)

Gene: C1S (complement C1s; plus strand). Cytogenetic location: 12p13.31.
Variant type: Deletion.
Coding change: c.1350del on transcript NM_001734.5 (MANE Select); coding-DNA position 1350, one base deleted (C; older notation c.1350delC).
Protein change: p.Trp451fs; shifts the reading frame from tryptophan 451.
Molecular consequence: frameshift variant.
Genome position (GRCh38, 1-based): chr12:7,069,934, C deleted; the last of 4 consecutive C bases (chr12:7,069,931-7,069,934); deleting any one gives the same sequence. VCF-style (leftmost placement, unchanged base first): chr12-7069930-TC-T. GRCh37 (hg19) VCF-style: chr12-7177234-TC-T.
Other names: c.849del, p.Trp284fs (NM_001346850.2); c.1350del, p.Trp451fs (NM_201442.4); short protein forms W284fs, W451fs.
Identifiers: ClinVar variation 2008415 (VCV002008415.4), dbSNP rs2539606922, ClinGen allele CA2575064209.